The following is an entry in ClinVar:

ClinVar aggregate classification (germline): Benign/Likely benign. Review status: criteria provided, multiple submitters, no conflicts (2 of 4 stars). 4 submissions from 4 submitters: Benign (1); Likely benign (3). Last evaluated 2025-02-10.

Conditions:
Hereditary cancer-predisposing syndrome. Also called: Hereditary Cancer Syndrome; Neoplastic Syndromes, Hereditary; Tumor predisposition; Hereditary neoplastic syndrome. Identifiers: Orphanet 140162, MedGen C0027672, MeSH D009386, MONDO:0015356.
Colorectal cancer, susceptibility to, 12 (CRCS12). Also called: COLORECTAL CANCER, SUSCEPTIBILITY TO, ON CHROMOSOME 12q24. Identifiers: Orphanet 220460, MedGen C3554460, MONDO:0014038, OMIM 615083.

Allele frequency attached by ClinVar (database versions not stated): gnomAD exomes below 0.00001; TOPMed below 0.00001.
gnomAD v4.1: 1 of 1,613,984 alleles (0.000062%); highest among the groups gnomAD compares: East Asian, 0.0022%; no homozygotes.

Submissions (4):

Myriad Genetics, Inc.
Classification: Benign for Colorectal cancer, susceptibility to, 12. Last evaluated: 2025-02-10. Review status: criteria provided, single submitter. Criteria: Myriad Autosomal Dominant, Autosomal Recessive and X-Linked Classification Criteria (2023). Collection method: clinical testing. Allele origin: unknown.
Comment: This variant is considered benign. This variant is a silent/synonymous amino acid change and it is not expected to impact splicing.

Labcorp Genetics (formerly Invitae), Labcorp
Classification: Likely benign. Last evaluated: 2024-12-30. Review status: criteria provided, single submitter. Criteria: Invitae Variant Classification Sherloc (09022015). Collection method: clinical testing. Allele origin: germline.

Ambry Genetics
Classification: Likely benign for Hereditary cancer-predisposing syndrome. Last evaluated: 2019-07-09. Review status: criteria provided, single submitter. Criteria: Ambry Variant Classification Scheme 2023. Collection method: clinical testing. Allele origin: germline.

GeneDx
Classification: Likely benign. Last evaluated: 2018-03-11. Review status: criteria provided, single submitter. Criteria: GeneDx Variant Classification (06012015). Collection method: clinical testing. Allele origin: germline. Affected: yes.
Comment: This variant is considered likely benign or benign based on one or more of the following criteria: it is a conservative change, it occurs at a poorly conserved position in the protein, it is predicted to be benign by multiple in silico algorithms, and/or has population frequency not consistent with disease.

NM_006231.4(POLE):c.1272C>G (p.Leu424=)

Gene: POLE (DNA polymerase epsilon, catalytic subunit; minus strand). Cytogenetic location: 12q24.33.
Variant type: single nucleotide variant.
Coding change: c.1272C>G on transcript NM_006231.4 (MANE Select); coding-DNA position 1272, C replaced by G.
Protein change: p.Leu424=; no amino-acid change (leucine 424 retained).
Molecular consequence: synonymous variant.
Genome position (GRCh38, 1-based): chr12:132,673,662, G>C on the plus strand (C>G on the coding strand, the complement: POLE is on the minus strand). VCF-style: chr12-132673662-G-C. GRCh37 (hg19) VCF-style: chr12-133250248-G-C.
Identifiers: ClinVar variation 516053 (VCV000516053.16), dbSNP rs1555228638, ClinGen allele CA482722813.